The following is an entry in ClinVar:

ClinVar aggregate classification (germline): Uncertain significance. Review status: criteria provided, multiple submitters, no conflicts (2 of 4 stars). 2 submissions from 2 submitters: Uncertain significance (2). Last evaluated 2022-02-21.

Conditions:
Hypertrophic cardiomyopathy. Also called: HYPERTROPHIC MYOCARDIOPATHY. Identifiers: Orphanet 217569, MedGen C0007194, MeSH D002312, MONDO:0005045, HP:0001639.

Submissions (2):

GeneDx
Classification: Uncertain significance. Last evaluated: 2022-02-21. Review status: criteria provided, single submitter. Criteria: GeneDx Variant Classification Process June 2021. Collection method: clinical testing. Allele origin: germline. Affected: yes.
Comment: Has not been previously published as pathogenic or benign to our knowledge; Not observed at significant frequency in large population cohorts (gnomAD); In silico analysis supports that this missense variant does not alter protein structure/function

Labcorp Genetics (formerly Invitae), Labcorp
Classification: Uncertain significance for Hypertrophic cardiomyopathy. Last evaluated: 2017-04-29. Review status: criteria provided, single submitter. Criteria: Invitae Variant Classification Sherloc (09022015). Collection method: clinical testing. Allele origin: germline.
Comment: In summary, this variant is a novel missense change that is not predicted to affect protein function. There is no indication that it causes disease, but the available evidence is currently insufficient to prove that conclusively. Therefore, it has been classified as a Variant of Uncertain Significance. Algorithms developed to predict the effect of missense changes on protein structure and function (SIFT, PolyPhen-2, Align-GVGD) all suggest that this variant is likely to be tolerated, but these predictions have not been confirmed by published functional studies. This variant is not present in population databases (ExAC no frequency) and has not been reported in the literature in individuals with a MYBPC3-related disease. This sequence change replaces serine with arginine at codon 376 of the MYBPC3 protein (p.Ser376Arg). The serine residue is weakly conserved and there is a moderate physicochemical difference between serine and arginine.

NM_000256.3(MYBPC3):c.1128C>A (p.Ser376Arg)

Gene: MYBPC3 (myosin binding protein C3; minus strand). Cytogenetic location: 11p11.2.
Variant type: single nucleotide variant.
Coding change: c.1128C>A on transcript NM_000256.3 (MANE Select); coding-DNA position 1128, C replaced by A.
Protein change: p.Ser376Arg; replaces serine 376 with arginine.
Molecular consequence: missense variant.
Genome position (GRCh38, 1-based): chr11:47,343,587, G>T on the plus strand (C>A on the coding strand, the complement: MYBPC3 is on the minus strand). VCF-style: chr11-47343587-G-T. GRCh37 (hg19) VCF-style: chr11-47365138-G-T.
Other names: c.1128C>A, p.Ser376Arg (LRG_386t1); short protein forms S376R.
Identifiers: ClinVar variation 454302 (VCV000454302.10), dbSNP rs1555122453, ClinGen allele CA380329207.
Genomic context (GRCh38, chr11:47,343,587, plus strand): 5'-CCATTTGACCTCAGCGTCATGGTCAGCCAGTTCCACGGTCAGCCGGATCTTGTGGCCTTT[G>T]CTCACCTGGTAGGCCGGCTCCAGCTTCTTCTGAAAGGCTGAGCACCACCCCTCAGCCCCG-3'
Protein context (NP_000247.2, residues 366-386): QKKLEPAYQV[Ser376Arg]KGHKIRLTVE